The following is an entry in ClinVar:

NM_001379180.1(ESRRB):c.1120+11C>T

Gene: ESRRB (estrogen related receptor beta; plus strand). Cytogenetic location: 14q24.3.
Variant type: single nucleotide variant.
Coding change: c.1120+11C>T on transcript NM_001379180.1 (MANE Select); 11 bases into the intron after coding-DNA position 1120, C replaced by T.
Molecular consequence: intron variant.
Genome position (GRCh38, 1-based): chr14:76,491,727, C>T. VCF-style: chr14-76491727-C-T. GRCh37 (hg19) VCF-style: chr14-76958070-C-T.
Other names: c.1057+11C>T (NM_004452.4).
Identifiers: ClinVar variation 227362 (VCV000227362.16), dbSNP rs116803435, ClinGen allele CA7281762.

ClinVar aggregate classification (germline): Benign/Likely benign. Review status: criteria provided, multiple submitters, no conflicts (2 of 4 stars). 4 submissions from 4 submitters: Benign (1); Likely benign (3). Last evaluated 2025-09-15.

Allele frequency attached by ClinVar (database versions not stated): gnomAD exomes 0.00013 and 0.00035; ESP Exome Variant Server 0.00093; ExAC 0.00108; gnomAD 0.00117 and 0.00124; TOPMed 0.00123; 1000 Genomes Project 30x 0.00172; 1000 Genomes Project 0.00180.
gnomAD v4.1: 362 of 1,566,922 alleles (0.023%); highest among the groups gnomAD compares: African/African-American, 0.42%; 1 homozygote.

Submissions (4):

Labcorp Genetics (formerly Invitae), Labcorp
Classification: Benign. Last evaluated: 2025-09-15. Review status: criteria provided, single submitter. Criteria: Invitae Variant Classification Sherloc (09022015). Collection method: clinical testing. Allele origin: germline.

Blueprint Genetics
Classification: Likely benign. Last evaluated: 2024-01-19. Review status: criteria provided, single submitter. Criteria: ACMG Guidelines, 2015. Collection method: clinical testing. Allele origin: germline.

GeneDx
Classification: Likely benign. Last evaluated: 2020-06-23. Review status: criteria provided, single submitter. Criteria: GeneDx Variant Classification Process June 2021. Collection method: clinical testing. Allele origin: germline. Affected: yes.

Laboratory for Molecular Medicine, Mass General Brigham Personalized Medicine
Classification: Likely benign. Last evaluated: 2012-05-07. Review status: criteria provided, single submitter. Criteria: LMM Criteria. Collection method: clinical testing. Allele origin: germline. Observed: 1 variant allele.
Comment: 1057+11C>T in Intron 08 of ESRRB: This variant is not expected to have clinical significance because it is not located within the conserved splice consensus seq uence and has been identified in 0.3% (10/3704) of African American chromosomes from a broad population by the NHLBI Exome Sequencing Project (dbSNP rs116803435).